The following is an entry in ClinVar:

NM_001384140.1(PCDH15):c.1709G>C (p.Gly570Ala)

Gene: PCDH15 (protocadherin related 15; minus strand). Cytogenetic location: 10q21.1.
Variant type: single nucleotide variant.
Coding change: c.1709G>C on transcript NM_001384140.1 (MANE Select); coding-DNA position 1709, G replaced by C.
Protein change: p.Gly570Ala; replaces glycine 570 with alanine.
Molecular consequence: missense variant.
Genome position (GRCh38, 1-based): chr10:54,153,175, C>G on the plus strand (G>C on the coding strand, the complement: PCDH15 is on the minus strand). VCF-style: chr10-54153175-C-G. GRCh37 (hg19) VCF-style: chr10-55912935-C-G.
Other names: c.1724G>C, p.Gly575Ala (NM_001142763.2, NM_001142771.2); c.1709G>C, p.Gly570Ala (NM_001142764.2, NM_001142765.2, NM_001142766.2 and 6 more transcripts); c.1598G>C, p.Gly533Ala (NM_001142767.2); c.1643G>C, p.Gly548Ala (NM_001142768.2, NM_001142773.2, NM_001354404.2); c.1745G>C, p.Gly582Ala (NM_001142769.4); c.1730G>C, p.Gly577Ala (NM_001354411.2); short protein forms G548A, G582A, G533A, G570A, G575A, G577A.
Identifiers: ClinVar variation 1505973 (VCV001505973.5), dbSNP rs769261753, ClinGen allele CA5506292.

ClinVar aggregate classification (germline): Uncertain significance (1 of 4 stars; one submission).

Allele frequency attached by ClinVar (database versions not stated): TOPMed below 0.00001; gnomAD exomes 0.00001 and 0.00002; ExAC 0.00002.
gnomAD v4.1: 6 of 1,613,930 alleles (0.00037%); highest among the groups gnomAD compares: Admixed American, 0.01%; no homozygotes.

Submission:

Labcorp Genetics (formerly Invitae), Labcorp
Classification: Uncertain significance. Last evaluated: 2021-09-01. Review status: criteria provided, single submitter. Criteria: Invitae Variant Classification Sherloc (09022015). Collection method: clinical testing. Allele origin: germline.
Comment: This sequence change replaces glycine with alanine at codon 570 of the PCDH15 protein (p.Gly570Ala). The glycine residue is highly conserved and there is a small physicochemical difference between glycine and alanine. This variant is present in population databases (rs769261753, ExAC 0.02%). This variant has not been reported in the literature in individuals affected with PCDH15-related conditions. Algorithms developed to predict the effect of missense changes on protein structure and function (SIFT, PolyPhen-2, Align-GVGD) all suggest that this variant is likely to be tolerated. In summary, the available evidence is currently insufficient to determine the role of this variant in disease. Therefore, it has been classified as a Variant of Uncertain Significance.